The following is an entry in ClinVar:

NM_017780.4(CHD7):c.5105G>A (p.Ser1702Asn)

Gene: CHD7 (chromodomain helicase DNA binding protein 7; plus strand). Cytogenetic location: 8q12.2.
Variant type: single nucleotide variant.
Coding change: c.5105G>A on transcript NM_017780.4 (MANE Select); coding-DNA position 5105, G replaced by A.
Protein change: p.Ser1702Asn; replaces serine 1702 with asparagine.
Molecular consequence: missense variant. On other transcripts: intron variant (1).
Genome position (GRCh38, 1-based): chr8:60,845,304, G>A. VCF-style: chr8-60845304-G-A. GRCh37 (hg19) VCF-style: chr8-61757863-G-A.
Other names: c.1717-16925G>A (NM_001316690.1); short protein forms S1702N.
Identifiers: ClinVar variation 281877 (VCV000281877.19), dbSNP rs370599133, ClinGen allele CA4760260.

ClinVar aggregate classification (germline): Conflicting classifications of pathogenicity. Review status: criteria provided, conflicting classifications (1 of 4 stars). 5 submissions from 5 submitters: Uncertain significance (4); Benign (1). Last evaluated 2024-10-28.

Conditions:
CHARGE syndrome (CHARGE). Also called: Hittner Hirsch Kreh syndrome; Coloboma, heart anomaly, choanal atresia, retardation, genital and ear anomalies; CHARGE association; Hall-Hittner syndrome; CHARGE ASSOCIATION--COLOBOMA, HEART ANOMALY, CHOANAL ATRESIA, RETARDATION, GENITAL AND EAR ANOMALIES. Identifiers: Orphanet 138, MedGen C0265354, MONDO:0008965.
Hypogonadotropic hypogonadism 5 with or without anosmia (KAL5). Also called: CHD7-Related GnRH Deficiency (Kallmann Syndrome 5); HYPOGONADOTROPIC HYPOGONADISM 5 WITH ANOSMIA; HYPOGONADOTROPHIC HYPOGONADISM 5 WITHOUT ANOSMIA. Identifiers: Orphanet 478, MedGen C3552553, MONDO:0012880, OMIM 612370. Disease mechanism: loss of function.
Inborn genetic diseases. Identifiers: MedGen C0950123, MeSH D030342.

Allele frequency attached by ClinVar (database versions not stated): ExAC 0.00001; gnomAD exomes 0.00001; gnomAD 0.00005; TOPMed 0.00005; ESP Exome Variant Server 0.00008.
gnomAD v4.1: 14 of 1,613,902 alleles (0.00087%); highest among the groups gnomAD compares: African/African-American, 0.019%; no homozygotes.

Submissions (5):

Labcorp Genetics (formerly Invitae), Labcorp
Classification: Benign for CHARGE syndrome. Last evaluated: 2024-10-28. Review status: criteria provided, single submitter. Criteria: Invitae Variant Classification Sherloc (09022015). Collection method: clinical testing. Allele origin: germline.

Fulgent Genetics
Classification: Uncertain significance for CHD7-related CHARGE syndrome; Hypogonadotropic hypogonadism 5 with or without anosmia. Last evaluated: 2024-05-20. Review status: criteria provided, single submitter. Criteria: ACMG Guidelines, 2015. Collection method: clinical testing. Allele origin: germline.

GeneDx
Classification: Uncertain significance. Last evaluated: 2021-01-27. Review status: criteria provided, single submitter. Criteria: GeneDx Variant Classification Process June 2021. Collection method: clinical testing. Allele origin: germline. Affected: yes.
Comment: In silico analysis supports that this missense variant does not alter protein structure/function; Has not been previously published as pathogenic or benign to our knowledge

Ambry Genetics
Classification: Uncertain significance for Inborn genetic diseases. Last evaluated: 2016-12-29. Review status: criteria provided, single submitter. Criteria: Ambry Variant Classification Scheme 2023. Collection method: clinical testing. Allele origin: germline.
Comment: The p.S1702N variant (also known as c.5105G>A), located in coding exon 22 of the CHD7 gene, results from a G to A substitution at nucleotide position 5105. The serine at codon 1702 is replaced by asparagine, an amino acid with highly similar properties. This amino acid position is not well conserved in available vertebrate species. In addition, this alteration is predicted to be tolerated by in silico analysis. Since supporting evidence is limited at this time, the clinical significance of this alteration remains unclear.

Eurofins Ntd Llc (ga)
Classification: Uncertain significance. Last evaluated: 2015-07-22. Review status: criteria provided, single submitter. Criteria: EGL Classification Definitions 2015. Collection method: clinical testing. Allele origin: germline. Observed: 1 variant allele, 1 heterozygote.